The following is an entry in ClinVar:

ClinVar aggregate classification (germline): Pathogenic (1 of 4 stars; one submission).

Conditions:
LAMA2-related muscular dystrophy (LAMA2-RD). Also called: Laminin alpha 2-related dystrophy. Identifiers: MedGen C5679788, MONDO:0100228.

Allele frequency attached by ClinVar (database versions not stated): gnomAD exomes below 0.00001.
gnomAD v4.1: 1 of 1,613,250 alleles (0.000062%); highest among the groups gnomAD compares: Middle Eastern, 0.017%; no homozygotes.

Submission:

Labcorp Genetics (formerly Invitae), Labcorp
Classification: Pathogenic for LAMA2-related muscular dystrophy. Last evaluated: 2022-08-23. Review status: criteria provided, single submitter. Criteria: Invitae Variant Classification Sherloc (09022015). Collection method: clinical testing. Allele origin: germline.
Comment: This sequence change affects a donor splice site in intron 10 of the LAMA2 gene. It is expected to disrupt RNA splicing. Variants that disrupt the donor or acceptor splice site typically lead to a loss of protein function (PMID: 16199547), and loss-of-function variants in LAMA2 are known to be pathogenic (PMID: 18700894, 32904964). This variant is not present in population databases (gnomAD no frequency). For these reasons, this variant has been classified as Pathogenic. Algorithms developed to predict the effect of sequence changes on RNA splicing suggest that this variant may disrupt the consensus splice site. ClinVar contains an entry for this variant (Variation ID: 477441). Disruption of this splice site has been observed in individual(s) with LAMA2-related muscular dystrophy (Invitae). In at least one individual the data is consistent with being in trans (on the opposite chromosome) from a pathogenic variant.

Literature cited by the submitters: PubMed 16199547; PubMed 18700894; PubMed 32904964.

NM_000426.4(LAMA2):c.1467+1G>T

Gene: LAMA2 (laminin subunit alpha 2; plus strand). Cytogenetic location: 6q22.33.
Variant type: single nucleotide variant.
Coding change: c.1467+1G>T on transcript NM_000426.4 (MANE Select); the canonical splice donor site of the intron after coding-DNA position 1467, G replaced by T.
Molecular consequence: splice donor variant.
Genome position (GRCh38, 1-based): chr6:129,177,867, G>T. VCF-style: chr6-129177867-G-T. GRCh37 (hg19) VCF-style: chr6-129499012-G-T.
Other names: c.1467+1G>T (NM_001079823.2).
Identifiers: ClinVar variation 477441 (VCV000477441.11), dbSNP rs1554234161, ClinGen allele CA365607744.